The following is an entry in ClinVar:

NM_000214.3(JAG1):c.2458+28C>T

Gene: JAG1 (jagged canonical Notch ligand 1; minus strand). Cytogenetic location: 20p12.2.
Variant type: single nucleotide variant.
Coding change: c.2458+28C>T on transcript NM_000214.3 (MANE Select); 28 bases into the intron after coding-DNA position 2458, C replaced by T.
Molecular consequence: intron variant.
Genome position (GRCh38, 1-based): chr20:10,643,750, G>A on the plus strand (C>T on the coding strand, the complement: JAG1 is on the minus strand). VCF-style: chr20-10643750-G-A. GRCh37 (hg19) VCF-style: chr20-10624398-G-A.
Other names: p.?.
Identifiers: ClinVar variation 1297554 (VCV001297554.4), dbSNP rs77308315, ClinGen allele CA9764497.

ClinVar aggregate classification (germline): Benign. Review status: criteria provided, single submitter (1 of 4 stars). 3 submissions from 3 submitters: Benign (1). 2 of the submissions do not count toward it. Last evaluated 2023-11-16.

Allele frequency attached by ClinVar (database versions not stated): 1000 Genomes Project 30x 0.00125; gnomAD 0.00379 and 0.00371; ESP Exome Variant Server 0.00561; gnomAD exomes 0.00420; 1000 Genomes Project 0.00140; TOPMed 0.00356; ExAC 0.00490.
gnomAD v4.1: 9,564 of 1,590,156 alleles (0.6%); highest among the groups gnomAD compares: Non-Finnish European, 0.76%; 41 homozygotes.

Submissions (3):

Mayo Clinic Laboratories, Mayo Clinic
Classification: Benign. Last evaluated: 2023-11-16. Review status: criteria provided, single submitter. Criteria: ACMG Guidelines, 2015. Collection method: clinical testing. Allele origin: germline. Observed: 7 variant alleles.
Comment: BA1, BS2, BP4, BP7

Clinical Genetics DNA and cytogenetics Diagnostics Lab, Erasmus MC, Erasmus Medical Center
Classification: Benign. Review status: no assertion criteria provided. Collection method: clinical testing. Allele origin: germline. Affected: yes. Study: VKGL Data-share Consensus. Not counted in ClinVar's aggregate classification.

Joint Genome Diagnostic Labs from Nijmegen and Maastricht, Radboudumc and MUMC+
Classification: Benign. Review status: no assertion criteria provided. Collection method: clinical testing. Allele origin: germline. Affected: yes. Study: VKGL Data-share Consensus. Not counted in ClinVar's aggregate classification.